The following is an entry in ClinVar:

NM_006206.6(PDGFRA):c.1371T>C (p.Asn457=)

Gene: PDGFRA (platelet derived growth factor receptor alpha; plus strand). Cytogenetic location: 4q12.
Variant type: single nucleotide variant.
Coding change: c.1371T>C on transcript NM_006206.6 (MANE Select); coding-DNA position 1371, T replaced by C.
Protein change: p.Asn457=; no amino-acid change (asparagine 457 retained).
Molecular consequence: synonymous variant.
Genome position (GRCh38, 1-based): chr4:54,273,543, T>C. VCF-style: chr4-54273543-T-C. GRCh37 (hg19) VCF-style: chr4-55139710-T-C.
Other names: c.1371T>C, p.Asn457= (NM_001347827.2, NM_001347829.2); c.1446T>C, p.Asn482= (NM_001347828.2); c.1410T>C, p.Asn470= (NM_001347830.2).
Identifiers: ClinVar variation 753133 (VCV000753133.16), dbSNP rs1577724059, ClinGen allele CA439286967.

ClinVar aggregate classification (germline): Benign/Likely benign. Review status: criteria provided, multiple submitters, no conflicts (2 of 4 stars). 3 submissions from 3 submitters: Benign (1); Likely benign (2). Last evaluated 2026-06-17.

Conditions:
Gastrointestinal stromal tumor. Also called: Gastrointestinal stromal tumor, somatic; Gastrointestinal stroma tumor. Identifiers: Orphanet 44890, MedGen C0238198, MeSH D046152, MONDO:0011719, OMIM 606764, HP:0100723.
Polyps, multiple and recurrent inflammatory fibroid, gastrointestinal. Identifiers: MedGen C5193005, MONDO:0008285, OMIM 175510.
Hereditary cancer-predisposing syndrome. Also called: Neoplastic Syndromes, Hereditary; Hereditary Cancer Syndrome; Hereditary neoplastic syndrome; Tumor predisposition. Identifiers: Orphanet 140162, MedGen C0027672, MeSH D009386, MONDO:0015356.

Allele frequency attached by ClinVar (database versions not stated): gnomAD 0.00001; TOPMed 0.00001; gnomAD exomes below 0.00001.
gnomAD v4.1: 2 of 1,613,810 alleles (0.00012%); highest among the groups gnomAD compares: Non-Finnish European, 0.00017%; no homozygotes.

Submissions (3):

Myriad Genetics, Inc.
Classification: Benign for Polyps, multiple and recurrent inflammatory fibroid, gastrointestinal. Last evaluated: 2026-06-17. Review status: criteria provided, single submitter. Criteria: Myriad Autosomal Dominant, Autosomal Recessive and X-Linked Classification Criteria (2023). Collection method: clinical testing. Allele origin: unknown.
Comment: This variant is considered benign. This variant is a silent/synonymous amino acid change and it is not expected to impact splicing.

Labcorp Genetics (formerly Invitae), Labcorp
Classification: Likely benign for Gastrointestinal stromal tumor. Last evaluated: 2024-06-30. Review status: criteria provided, single submitter. Criteria: Invitae Variant Classification Sherloc (09022015). Collection method: clinical testing. Allele origin: germline.

Ambry Genetics
Classification: Likely benign for Hereditary cancer-predisposing syndrome. Last evaluated: 2019-09-26. Review status: criteria provided, single submitter. Criteria: Ambry Variant Classification Scheme 2023. Collection method: clinical testing. Allele origin: germline.